The following is an entry in ClinVar:

NM_020975.6(RET):c.2133C>A (p.Ile711=)

Gene: RET (ret proto-oncogene; plus strand). Cytogenetic location: 10q11.21.
Variant type: single nucleotide variant.
Coding change: c.2133C>A on transcript NM_020975.6 (MANE Select); coding-DNA position 2133, C replaced by A.
Protein change: p.Ile711=; no amino-acid change (isoleucine 711 retained).
Molecular consequence: synonymous variant.
Genome position (GRCh38, 1-based): chr10:43,114,733, C>A. VCF-style: chr10-43114733-C-A. GRCh37 (hg19) VCF-style: chr10-43610181-C-A.
Other names: c.2133C>A, p.Ile711= (NM_000323.2, NM_001406743.1, NM_001406744.1 and 4 more transcripts); c.1371C>A, p.Ile457= (NM_001355216.2); c.2004C>A, p.Ile668= (NM_001406761.1, NM_001406762.1, NM_001406764.1); c.1998C>A, p.Ile666= (NM_001406763.1, NM_001406765.1); c.1845C>A, p.Ile615= (NM_001406766.1, NM_001406767.1, NM_001406770.1); c.1869C>A, p.Ile623= (NM_001406768.1); c.1737C>A, p.Ile579= (NM_001406769.1, NM_001406772.1); c.1695C>A, p.Ile565= (NM_001406771.1, NM_001406773.1); and 10 more.
Identifiers: ClinVar variation 2733986 (VCV002733986.4), dbSNP rs2132855814, ClinGen allele CA469480020.

ClinVar aggregate classification (germline): Benign/Likely benign. Review status: criteria provided, multiple submitters, no conflicts (2 of 4 stars). 2 submissions from 2 submitters: Benign (1); Likely benign (1). Last evaluated 2025-02-26.

Conditions:
Multiple endocrine neoplasia, type 2 (MEN2). Identifiers: Orphanet 653, MedGen C4048306, MONDO:0019003. Disease mechanism: gain of function.
Multiple endocrine neoplasia type 2A. Also called: Multiple Endocrine Neoplasia Type 2A (MEN2A); MULTIPLE ENDOCRINE NEOPLASIA, TYPE IIA; PTC SYNDROME; SIPPLE SYNDROME; MEN 2A; MEN-2A syndrome. Identifiers: Orphanet 247698, Orphanet 653, MedGen C0025268, MeSH D018813, MONDO:0008234, OMIM 171400.

Submissions (2):

Myriad Genetics, Inc.
Classification: Benign for Multiple endocrine neoplasia type 2A. Last evaluated: 2025-02-26. Review status: criteria provided, single submitter. Criteria: Myriad Autosomal Dominant, Autosomal Recessive and X-Linked Classification Criteria (2023). Collection method: clinical testing. Allele origin: unknown.
Comment: This variant is considered benign. This variant is a silent/synonymous amino acid change and it is not expected to impact splicing.

Labcorp Genetics (formerly Invitae), Labcorp
Classification: Likely benign for Multiple endocrine neoplasia, type 2. Last evaluated: 2023-05-27. Review status: criteria provided, single submitter. Criteria: Invitae Variant Classification Sherloc (09022015). Collection method: clinical testing. Allele origin: germline.